The following is an entry in ClinVar:

NM_182916.3(TRNT1):c.1281_1283dup (p.Leu428_Ser429insLeu)

Gene: TRNT1 (tRNA nucleotidyl transferase 1; plus strand). Cytogenetic location: 3p26.2.
Variant type: Duplication.
Coding change: c.1281_1283dup on transcript NM_182916.3 (MANE Select); coding-DNA positions 1281 to 1283, 3 bases duplicated (TCT; older notation c.1281_1283dupTCT).
Protein change: p.Leu428_Ser429insLeu.
Molecular consequence: inframe insertion. On other transcripts: non-coding transcript variant (8).
Genome position (GRCh38, 1-based): chr3:3,148,130-3,148,132, TCT duplicated; duplicating any 3 consecutive bases within chr3:3,148,128-3,148,132 gives the same sequence; the c. name uses the placement nearest the transcript's 3' end. VCF-style (leftmost placement, unchanged base first): chr3-3148127-A-ACTT. GRCh37 (hg19) VCF-style: chr3-3189811-A-ACTT.
Other names: c.1221_1223dup, p.Leu408_Ser409insLeu (NM_001302946.2); c.1281_1283dup, p.Leu428_Ser429insLeu (NM_001367321.1, NM_001367322.1, NM_001367323.1).
Identifiers: ClinVar variation 2067020 (VCV002067020.4), dbSNP rs2126038509, ClinGen allele CA2580069169.
Genomic context (GRCh38, chr3:3,148,127, plus strand): 5'-TCTATTACAACAGTTGCGAGAACAGTGGAAAAAAAGTGGTTACCAAATGGAAAAAGATGA[A>ACTT]CTTCTGAGTTACATAAAGAAGACCTAAAACTGATGGCTACTAAAAAGCAGAGCATTTCTG-3'

ClinVar aggregate classification (germline): Uncertain significance (1 of 4 stars; one submission).

Conditions:
Congenital sideroblastic anemia-B-cell immunodeficiency-periodic fever-developmental delay syndrome. Also called: Sideroblastic anemia with B-cell immunodeficiency, periodic fevers, and developmental delay. Identifiers: Orphanet 369861, MedGen C4015172, MONDO:0014487, OMIM 616084.

Submission:

Labcorp Genetics (formerly Invitae), Labcorp
Classification: Uncertain significance for Congenital sideroblastic anemia-B-cell immunodeficiency-periodic fever-developmental delay syndrome. Last evaluated: 2022-10-24. Review status: criteria provided, single submitter. Criteria: Invitae Variant Classification Sherloc (09022015). Collection method: clinical testing. Allele origin: germline.
Comment: This variant, c.1281_1283dup, results in the insertion of 1 amino acid(s) of the TRNT1 protein (p.Leu428dup), but otherwise preserves the integrity of the reading frame. This variant is not present in population databases (gnomAD no frequency). This variant has not been reported in the literature in individuals affected with TRNT1-related conditions. In summary, the available evidence is currently insufficient to determine the role of this variant in disease. Therefore, it has been classified as a Variant of Uncertain Significance.